The following is an entry in ClinVar:

ClinVar aggregate classification (germline): Uncertain significance (1 of 4 stars; one submission).

Conditions:
Hypertrophic cardiomyopathy. Also called: HYPERTROPHIC MYOCARDIOPATHY. Identifiers: Orphanet 217569, MedGen C0007194, MeSH D002312, MONDO:0005045, HP:0001639.

Submission:

Labcorp Genetics (formerly Invitae), Labcorp
Classification: Uncertain significance for Hypertrophic cardiomyopathy. Last evaluated: 2025-08-26. Review status: criteria provided, single submitter. Criteria: Invitae Variant Classification Sherloc (09022015). Collection method: clinical testing. Allele origin: germline.
Comment: This sequence change replaces alanine, which is neutral and non-polar, with threonine, which is neutral and polar, at codon 15 of the MYL3 protein (p.Ala15Thr). This variant is not present in population databases (gnomAD no frequency). This variant has not been reported in the literature in individuals affected with MYL3-related conditions. An algorithm developed to predict the effect of missense changes on protein structure and function outputs the following: PolyPhen-2: "Not Available". The threonine amino acid residue is found in multiple mammalian species, which suggests that this missense change does not adversely affect protein function. In summary, the available evidence is currently insufficient to determine the role of this variant in disease. Therefore, it has been classified as a Variant of Uncertain Significance.

NM_000258.3(MYL3):c.43G>A (p.Ala15Thr)

Gene: MYL3 (myosin light chain 3; minus strand). Cytogenetic location: 3p21.31.
Variant type: single nucleotide variant.
Coding change: c.43G>A on transcript NM_000258.3 (MANE Select); coding-DNA position 43, G replaced by A.
Protein change: p.Ala15Thr; replaces alanine 15 with threonine.
Molecular consequence: missense variant.
Genome position (GRCh38, 1-based): chr3:46,863,348, C>T on the plus strand (G>A on the coding strand, the complement: MYL3 is on the minus strand). VCF-style: chr3-46863348-C-T. GRCh37 (hg19) VCF-style: chr3-46904838-C-T.
Other names: c.43G>A, p.Ala15Thr (NM_001406937.1, NM_001406938.1, NM_001406939.1); short protein forms A15T.
Identifiers: ClinVar variation 4739234 (VCV004739234.1).